The following is an entry in ClinVar:

NM_017986.4(SLC52A1):c.759G>C (p.Leu253Phe)

Gene: SLC52A1 (solute carrier family 52 member 1; minus strand). Cytogenetic location: 17p13.2.
Variant type: single nucleotide variant.
Coding change: c.759G>C on transcript NM_017986.4 (MANE Select); coding-DNA position 759, G replaced by C.
Protein change: p.Leu253Phe; replaces leucine 253 with phenylalanine.
Molecular consequence: missense variant.
Genome position (GRCh38, 1-based): chr17:5,033,730, C>G on the plus strand (G>C on the coding strand, the complement: SLC52A1 is on the minus strand). VCF-style: chr17-5033730-C-G. GRCh37 (hg19) VCF-style: chr17-4937025-C-G.
Other names: c.759G>C, p.Leu253Phe (NM_001104577.2); short protein forms L253F.
Identifiers: ClinVar variation 3165177 (VCV003165177.3), dbSNP rs774272078, ClinGen allele CA8319714.

ClinVar aggregate classification (germline): Uncertain significance. Review status: criteria provided, multiple submitters, no conflicts (2 of 4 stars). 2 submissions from 2 submitters: Uncertain significance (2). Last evaluated 2025-03-25.

Conditions:
Vitamin B2 deficiency. Identifiers: MedGen C0035528.

Allele frequency attached by ClinVar (database versions not stated): TOPMed below 0.00001.
gnomAD v4.1: 4 of 1,614,102 alleles (0.00025%); highest among the groups gnomAD compares: East Asian, 0.0045%; no homozygotes.

Submissions (2):

Labcorp Genetics (formerly Invitae), Labcorp
Classification: Uncertain significance for Vitamin B2 deficiency. Last evaluated: 2025-03-25. Review status: criteria provided, single submitter. Criteria: Invitae Variant Classification Sherloc (09022015). Collection method: clinical testing. Allele origin: germline.
Comment: This sequence change replaces leucine, which is neutral and non-polar, with phenylalanine, which is neutral and non-polar, at codon 253 of the SLC52A1 protein (p.Leu253Phe). This variant is present in population databases (rs774272078, gnomAD 0.01%). This variant has not been reported in the literature in individuals affected with SLC52A1-related conditions. ClinVar contains an entry for this variant (Variation ID: 3165177). An algorithm developed to predict the effect of missense changes on protein structure and function (PolyPhen-2) suggests that this variant is likely to be disruptive. In summary, the available evidence is currently insufficient to determine the role of this variant in disease. Therefore, it has been classified as a Variant of Uncertain Significance.

Ambry Genetics
Classification: Uncertain significance. Last evaluated: 2024-01-03. Review status: criteria provided, single submitter. Criteria: Ambry Variant Classification Scheme 2023. Collection method: clinical testing. Allele origin: germline.